The following is an entry in ClinVar:

NM_006231.4(POLE):c.1021-13G>C

Gene: POLE (DNA polymerase epsilon, catalytic subunit; minus strand). Cytogenetic location: 12q24.33.
Variant type: single nucleotide variant.
Coding change: c.1021-13G>C on transcript NM_006231.4 (MANE Select); 13 bases into the intron before coding-DNA position 1021, G replaced by C.
Molecular consequence: intron variant.
Genome position (GRCh38, 1-based): chr12:132,675,833, C>G on the plus strand (G>C on the coding strand, the complement: POLE is on the minus strand). VCF-style: chr12-132675833-C-G. GRCh37 (hg19) VCF-style: chr12-133252419-C-G.
Identifiers: ClinVar variation 2200638 (VCV002200638.5), dbSNP rs2043038652, ClinGen allele CA953520006.

ClinVar aggregate classification (germline): Likely benign. Review status: criteria provided, multiple submitters, no conflicts (2 of 4 stars). 2 submissions from 2 submitters: Likely benign (2). Last evaluated 2026-02-01.

Conditions:
Colorectal cancer, susceptibility to, 12 (CRCS12). Also called: COLORECTAL CANCER, SUSCEPTIBILITY TO, ON CHROMOSOME 12q24. Identifiers: Orphanet 220460, MedGen C3554460, MONDO:0014038, OMIM 615083.

Allele frequency attached by ClinVar (database versions not stated): gnomAD exomes below 0.00001; gnomAD 0.00001.
gnomAD v4.1: 4 of 1,605,176 alleles (0.00025%); highest among the groups gnomAD compares: Non-Finnish European, 0.000085%; no homozygotes.

Submissions (2):

Labcorp Genetics (formerly Invitae), Labcorp
Classification: Likely benign. Last evaluated: 2026-02-01. Review status: criteria provided, single submitter. Criteria: Invitae Variant Classification Sherloc (09022015). Collection method: clinical testing. Allele origin: germline.

Myriad Genetics, Inc.
Classification: Likely benign for Colorectal cancer, susceptibility to, 12. Last evaluated: 2025-02-10. Review status: criteria provided, single submitter. Criteria: Myriad Autosomal Dominant, Autosomal Recessive and X-Linked Classification Criteria (2023). Collection method: clinical testing. Allele origin: unknown.
Comment: This variant is considered likely benign. This variant is intronic and is not expected to impact mRNA splicing.